The following is an entry in ClinVar:

NM_007315.4(STAT1):c.773A>T (p.Gln258Leu)

Gene: STAT1 (signal transducer and activator of transcription 1; minus strand). Cytogenetic location: 2q32.2.
Variant type: single nucleotide variant.
Coding change: c.773A>T on transcript NM_007315.4 (MANE Select); coding-DNA position 773, A replaced by T.
Protein change: p.Gln258Leu; replaces glutamine 258 with leucine.
Molecular consequence: missense variant.
Genome position (GRCh38, 1-based): chr2:190,997,868, T>A on the plus strand (A>T on the coding strand, the complement: STAT1 is on the minus strand). VCF-style: chr2-190997868-T-A. GRCh37 (hg19) VCF-style: chr2-191862594-T-A.
Other names: c.773A>T, p.Gln258Leu (NM_001384880.1, NM_001384882.1, NM_001384885.1 and 5 more transcripts); c.779A>T, p.Gln260Leu (NM_001384881.1, NM_001384884.1); c.674A>T, p.Gln225Leu (NM_001384883.1); c.683A>T, p.Gln228Leu (NM_001384890.1); c.809A>T, p.Gln270Leu (NM_001384891.1); short protein forms Q228L, Q270L, Q258L, Q225L, Q260L.
Identifiers: ClinVar variation 2944635 (VCV002944635.3), dbSNP rs2470516952, ClinGen allele CA349922489.

ClinVar aggregate classification (germline): Uncertain significance (1 of 4 stars; one submission).

Conditions:
Autoimmune enteropathy and endocrinopathy - susceptibility to chronic infections syndrome. Also called: Immunodeficiency 31C, autosomal dominant; Immunodeficiency 31C. Identifiers: Orphanet 391487, MedGen C3279990, MONDO:0013599, OMIM 614162.
Mendelian susceptibility to mycobacterial diseases due to partial STAT1 deficiency. Also called: IMMUNODEFICIENCY 31A, MYCOBACTERIOSIS, AUTOSOMAL DOMINANT; STAT1 DEFICIENCY, AUTOSOMAL DOMINANT; Immunodeficiency 31a. Identifiers: Orphanet 319595, MedGen C4013950, MONDO:0013956, OMIM 614892.
Immunodeficiency 31B. Also called: STAT1 DEFICIENCY, AUTOSOMAL RECESSIVE; IMMUNODEFICIENCY 31B, MYCOBACTERIAL AND VIRAL INFECTIONS, AUTOSOMAL RECESSIVE. Identifiers: Orphanet 391311, MedGen C3151088, MONDO:0013427, OMIM 613796.

Submission:

Labcorp Genetics (formerly Invitae), Labcorp
Classification: Uncertain significance for Mendelian susceptibility to mycobacterial diseases due to partial STAT1 deficiency; Immunodeficiency 31B; Autoimmune enteropathy and endocrinopathy - susceptibility to chronic infections syndrome. Last evaluated: 2025-07-14. Review status: criteria provided, single submitter. Criteria: Invitae Variant Classification Sherloc (09022015). Collection method: clinical testing. Allele origin: germline.
Comment: This sequence change replaces glutamine, which is neutral and polar, with leucine, which is neutral and non-polar, at codon 258 of the STAT1 protein (p.Gln258Leu). This variant is not present in population databases (gnomAD no frequency). This variant has not been reported in the literature in individuals affected with STAT1-related conditions. ClinVar contains an entry for this variant (Variation ID: 2944635). An algorithm developed to predict the effect of missense changes on protein structure and function (PolyPhen-2) suggests that this variant is likely to be disruptive. In summary, the available evidence is currently insufficient to determine the role of this variant in disease. Therefore, it has been classified as a Variant of Uncertain Significance.